The following is an entry in ClinVar:

ClinVar aggregate classification (germline): Likely benign (1 of 4 stars; one submission).

Submission:

Mayo Clinic Laboratories, Mayo Clinic
Classification: Likely benign. Last evaluated: 2025-11-20. Review status: criteria provided, single submitter. Criteria: ACMG Guidelines, 2015. Collection method: clinical testing. Allele origin: germline. Observed: 1 variant allele.
Comment: BP4, BP7

NM_145064.3(STAC3):c.506-3T>C

Gene: STAC3 (SH3 and cysteine rich domain 3; minus strand). Cytogenetic location: 12q13.3.
Variant type: single nucleotide variant.
Coding change: c.506-3T>C on transcript NM_145064.3 (MANE Select); 3 bases into the intron before coding-DNA position 506, T replaced by C.
Molecular consequence: intron variant.
Genome position (GRCh38, 1-based): chr12:57,246,904, A>G on the plus strand (T>C on the coding strand, the complement: STAC3 is on the minus strand). VCF-style: chr12-57246904-A-G. GRCh37 (hg19) VCF-style: chr12-57640687-A-G.
Other names: p.?; c.-53-3T>C (NM_001286257.2); c.389-3T>C (NM_001286256.2).
Identifiers: ClinVar variation 4683758 (VCV004683758.1).